The following is an entry in ClinVar:

ClinVar aggregate classification (germline): Uncertain significance. Review status: criteria provided, multiple submitters, no conflicts (2 of 4 stars). 2 submissions from 2 submitters: Uncertain significance (2). Last evaluated 2025-11-11.

Conditions:
Inborn genetic diseases. Identifiers: MedGen C0950123, MeSH D030342.

Allele frequency attached by ClinVar (database versions not stated): ExAC 0.00001; TOPMed 0.00001; gnomAD exomes 0.00002.
gnomAD v4.1: 37 of 1,613,734 alleles (0.0023%); highest among the groups gnomAD compares: Middle Eastern, 0.016%; no homozygotes.

Submissions (2):

GeneDx
Classification: Uncertain significance. Last evaluated: 2025-11-11. Review status: criteria provided, single submitter. Criteria: GeneDx Variant Classification Process June 2021. Collection method: clinical testing. Allele origin: germline.
Comment: In silico analysis suggests that this missense variant does not alter protein structure/function; Has not been previously published as pathogenic or benign to our knowledge

Ambry Genetics
Classification: Uncertain significance for Inborn genetic diseases. Last evaluated: 2024-10-23. Review status: criteria provided, single submitter. Criteria: Ambry Variant Classification Scheme 2023. Collection method: clinical testing. Allele origin: germline.

NM_016239.4(MYO15A):c.5281G>A (p.Val1761Ile)

Gene: MYO15A (myosin XVA; plus strand). Cytogenetic location: 17p11.2.
Variant type: single nucleotide variant.
Coding change: c.5281G>A on transcript NM_016239.4 (MANE Select); coding-DNA position 5281, G replaced by A.
Protein change: p.Val1761Ile; replaces valine 1761 with isoleucine.
Molecular consequence: missense variant.
Genome position (GRCh38, 1-based): chr17:18,140,586, G>A. VCF-style: chr17-18140586-G-A. GRCh37 (hg19) VCF-style: chr17-18043900-G-A.
Other names: short protein forms V1761I.
Identifiers: ClinVar variation 2501935 (VCV002501935.3), dbSNP rs746033874, ClinGen allele CA8424223.